The following is an entry in ClinVar:

ClinVar aggregate classification (germline): Likely pathogenic (1 of 4 stars; one submission).

Conditions:
RYR1-related disorder. Also called: RYR1-related condition; RYR1-related disorders. Identifiers: MedGen CN239331.

Allele frequency attached by ClinVar (database versions not stated): gnomAD exomes below 0.00001 and 0.00001; ExAC 0.00002; TOPMed 0.00002.
gnomAD v4.1: 7 of 1,614,164 alleles (0.00043%); highest among the groups gnomAD compares: East Asian, 0.0022%; no homozygotes.

Submission:

Labcorp Genetics (formerly Invitae), Labcorp
Classification: Likely pathogenic for RYR1-related disorder. Last evaluated: 2022-02-22. Review status: criteria provided, single submitter. Criteria: Invitae Variant Classification Sherloc (09022015). Collection method: clinical testing. Allele origin: germline.
Comment: This sequence change replaces arginine, which is basic and polar, with glutamine, which is neutral and polar, at codon 2676 of the RYR1 protein (p.Arg2676Gln). This variant is present in population databases (rs780455924, gnomAD 0.006%). This variant has not been reported in the literature in individuals affected with RYR1-related conditions. Advanced modeling of protein sequence and biophysical properties (such as structural, functional, and spatial information, amino acid conservation, physicochemical variation, residue mobility, and thermodynamic stability) performed at Invitae indicates that this missense variant is expected to disrupt RYR1 protein function. Algorithms developed to predict the effect of sequence changes on RNA splicing suggest that this variant may create or strengthen a splice site. This variant disrupts the p.Arg2676 amino acid residue in RYR1. Other variant(s) that disrupt this residue have been observed in individuals with autosomal dominant malignant hyperthermia and have been determined to be pathogenic (PMID: 14732627, 19191329, 25960145). This suggests that this residue is clinically significant, and that variants that disrupt this residue are likely to be disease-causing. In summary, the currently available evidence indicates that the variant is pathogenic, but additional data are needed to prove that conclusively. Therefore, this variant has been classified as Likely Pathogenic.

Literature cited by the submitters: PubMed 14732627; PubMed 19191329; PubMed 25960145.

NM_000540.3(RYR1):c.8027G>A (p.Arg2676Gln)

Gene: RYR1 (ryanodine receptor 1; plus strand). Cytogenetic location: 19q13.2.
Variant type: single nucleotide variant.
Coding change: c.8027G>A on transcript NM_000540.3 (MANE Select); coding-DNA position 8027, G replaced by A.
Protein change: p.Arg2676Gln; replaces arginine 2676 with glutamine.
Molecular consequence: missense variant.
Genome position (GRCh38, 1-based): chr19:38,504,320, G>A. VCF-style: chr19-38504320-G-A. GRCh37 (hg19) VCF-style: chr19-38994960-G-A.
Other names: c.8027G>A, p.Arg2676Gln (NM_001042723.2); short protein forms R2676Q.
Identifiers: ClinVar variation 1508739 (VCV001508739.5), dbSNP rs780455924, ClinGen allele CA071308.